The following is an entry in ClinVar:

ClinVar aggregate classification (germline): Uncertain significance (1 of 4 stars; one submission).

Submission:

GeneDx
Classification: Uncertain significance. Last evaluated: 2025-06-17. Review status: criteria provided, single submitter. Criteria: GeneDx Variant Classification Process June 2021. Collection method: clinical testing. Allele origin: germline. Affected: yes.
Comment: Not observed at significant frequency in large population cohorts (gnomAD); In silico analysis supports that this missense variant has a deleterious effect on protein structure/function; Has not been previously published as pathogenic or benign to our knowledge

NM_001039591.3(USP9X):c.3883T>C (p.Cys1295Arg)

Gene: USP9X (ubiquitin specific peptidase 9 X-linked; plus strand). Cytogenetic location: Xp11.4.
Variant type: single nucleotide variant.
Coding change: c.3883T>C on transcript NM_001039591.3 (MANE Select); coding-DNA position 3883, T replaced by C.
Protein change: p.Cys1295Arg; replaces cysteine 1295 with arginine.
Molecular consequence: missense variant.
Genome position (GRCh38, 1-based): chrX:41,189,381, T>C. VCF-style: chrX-41189381-T-C. GRCh37 (hg19) VCF-style: chrX-41048634-T-C.
Other names: c.3883T>C, p.Cys1295Arg (NM_001039590.3); c.3898T>C, p.Cys1300Arg (NM_001410748.1, NM_001410749.1, NM_001437534.1); short protein forms C1295R, C1300R.
Identifiers: ClinVar variation 4538886 (VCV004538886.1).